The following is an entry in ClinVar:

NM_022455.5(NSD1):c.5390_5397dup (p.Gly1800fs)

Genes: NSD1 (nuclear receptor binding SET domain protein 1; plus strand), LOC126807619 (MED14-independent group 3 enhancer GRCh37_chr5:176696443-176697642; plus strand). Cytogenetic location: 5q35.3.
Variant type: Duplication.
Coding change: c.5390_5397dup on transcript NM_022455.5 (MANE Select); coding-DNA positions 5390 to 5397, 8 bases duplicated (TCTTTTTT; older notation c.5390_5397dupTCTTTTTT).
Protein change: p.Gly1800fs; shifts the reading frame from glycine 1800.
Molecular consequence: frameshift variant.
Genome position (GRCh38, 1-based): chr5:177,269,688-177,269,695, TCTTTTTT duplicated. VCF-style (leftmost placement, unchanged base first): chr5-177269687-C-CTCTTTTTT. GRCh37 (hg19) VCF-style: chr5-176696688-C-CTCTTTTTT.
Other names: c.4517_4524dup, p.Gly1509fs (NM_172349.5, NM_001365684.2, NM_001409308.1 and 1 more transcripts); c.5390_5397dup, p.Gly1800fs (NM_001409301.1, NM_001409302.1, NM_001409303.1); c.4970_4977dup, p.Gly1660fs (NM_001409304.1); c.4637_4644dup, p.Gly1549fs (NM_001409305.1); c.4628_4635dup, p.Gly1546fs (NM_001409306.1, NM_001409307.1); short protein forms G1509fs, G1546fs, G1549fs, G1660fs, G1800fs.
Identifiers: ClinVar variation 2574132 (VCV002574132.2), dbSNP rs2480730450, ClinGen allele CA2695198790.

ClinVar aggregate classification (germline): Pathogenic (1 of 4 stars; one submission).

Conditions:
Sotos syndrome (SOTOS). Also called: Sotos' syndrome; Distinctive facial appearance, overgrowth in childhood, and learning disabilities or delayed development; CEREBRAL GIGANTISM; CHROMOSOME 5q35 DELETION SYNDROME; SOTOS SYNDROME 1. Identifiers: Orphanet 821, MedGen C0175695, MONDO:0019349, OMIM 117550.

Submission:

Department of Medical Genetics, National Institute of Health
Classification: Pathogenic for Sotos syndrome. Review status: criteria provided, single submitter. Criteria: ACMG Guidelines, 2015. Collection method: clinical testing. Allele origin: de novo. Inheritance: Autosomal dominant inheritance. Affected: yes. Observed: 1 variant allele, 1 hemizygote.
Comment: This variant was detected by Clinical Exome Sequencing and confirmed via convetional Sanger sequencing. It is classified as Pathogenic according to the ACMG guidelines by complying with the PVS1, PM2, and PS2.